The following is an entry in ClinVar:

NM_130466.4(UBE3B):c.441G>A (p.Gln147=)

Gene: UBE3B (ubiquitin protein ligase E3B; plus strand). Cytogenetic location: 12q24.11.
Variant type: single nucleotide variant.
Coding change: c.441G>A on transcript NM_130466.4 (MANE Select); coding-DNA position 441, G replaced by A.
Protein change: p.Gln147=; no amino-acid change (glutamine 147 retained).
Molecular consequence: synonymous variant.
Genome position (GRCh38, 1-based): chr12:109,486,569, G>A. VCF-style: chr12-109486569-G-A. GRCh37 (hg19) VCF-style: chr12-109924374-G-A.
Other names: c.441G>A (NM_130466.3); c.441G>A, p.Gln147= (NM_001270449.2, NM_001270450.2, NM_001270451.2 and 1 more transcripts).
Identifiers: ClinVar variation 2174513 (VCV002174513.6), dbSNP rs150249985, ClinGen allele CA6777488.

ClinVar aggregate classification (germline): Likely benign. Review status: criteria provided, single submitter (1 of 4 stars). 2 submissions from 2 submitters: Likely benign (1). 1 of the submissions does not count toward it. Last evaluated 2026-01-20.

Conditions:
UBE3B-related disorder. Also called: UBE3B-related condition.

Allele frequency attached by ClinVar (database versions not stated): gnomAD exomes 0.00001; ExAC 0.00002; gnomAD 0.00005; ESP Exome Variant Server 0.00008.
gnomAD v4.1: 22 of 899,128 alleles (0.0024%); highest among the groups gnomAD compares: African/African-American, 0.029%; no homozygotes.

Submissions (2):

Labcorp Genetics (formerly Invitae), Labcorp
Classification: Likely benign. Last evaluated: 2026-01-20. Review status: criteria provided, single submitter. Criteria: Invitae Variant Classification Sherloc (09022015). Collection method: clinical testing. Allele origin: germline.

PreventionGenetics, part of Exact Sciences
Classification: Likely benign for UBE3B-related condition. Last evaluated: 2019-06-05. Review status: no assertion criteria provided. Collection method: clinical testing. Allele origin: germline. Not counted in ClinVar's aggregate classification.
Comment: This variant is classified as likely benign based on ACMG/AMP sequence variant interpretation guidelines (Richards et al. 2015 PMID: 25741868, with internal and published modifications).